The following is an entry in ClinVar:

ClinVar aggregate classification (germline): Uncertain significance (1 of 4 stars; one submission).

Conditions:
Marfan syndrome (MFS). Also called: MARFAN SYNDROME, TYPE I; Marfan syndrome type 1; Marfan's syndrome; Marfan syndrome, classic; FBN1-Related Marfan Syndrome. Identifiers: Orphanet 284963, Orphanet 558, MedGen C0024796, MONDO:0007947, OMIM 154700.
Familial thoracic aortic aneurysm and aortic dissection (TAAD). Also called: Thoracic aortic aneurysms and dissections. Identifiers: Orphanet 91387, MedGen C4707243, MONDO:0019625.

Allele frequency attached by ClinVar (database versions not stated): gnomAD exomes below 0.00001; gnomAD 0.00001.
gnomAD v4.1: 2 of 1,613,978 alleles (0.00012%); highest among the groups gnomAD compares: Admixed American, 0.0017%; no homozygotes.

Submission:

Labcorp Genetics (formerly Invitae), Labcorp
Classification: Uncertain significance for Marfan syndrome; Familial thoracic aortic aneurysm and aortic dissection. Last evaluated: 2025-10-29. Review status: criteria provided, single submitter. Criteria: Invitae Variant Classification Sherloc (09022015). Collection method: clinical testing. Allele origin: germline.
Comment: This sequence change replaces lysine, which is basic and polar, with glutamine, which is neutral and polar, at codon 2360 of the FBN1 protein (p.Lys2360Gln). This variant is present in population databases (no rsID available, gnomAD 0.003%). This variant has not been reported in the literature in individuals affected with FBN1-related conditions. ClinVar contains an entry for this variant (Variation ID: 2940711). Invitae Evidence Modeling of protein sequence and biophysical properties (such as structural, functional, and spatial information, amino acid conservation, physicochemical variation, residue mobility, and thermodynamic stability) indicates that this missense variant is expected to disrupt FBN1 protein function with a positive predictive value of 95%. In summary, the available evidence is currently insufficient to determine the role of this variant in disease. Therefore, it has been classified as a Variant of Uncertain Significance.

NM_000138.5(FBN1):c.7078A>C (p.Lys2360Gln)

Gene: FBN1 (fibrillin 1; minus strand). Cytogenetic location: 15q21.1.
Variant type: single nucleotide variant.
Coding change: c.7078A>C on transcript NM_000138.5 (MANE Select); coding-DNA position 7078, A replaced by C.
Protein change: p.Lys2360Gln; replaces lysine 2360 with glutamine.
Molecular consequence: missense variant.
Genome position (GRCh38, 1-based): chr15:48,427,693, T>G on the plus strand (A>C on the coding strand, the complement: FBN1 is on the minus strand). VCF-style: chr15-48427693-T-G. GRCh37 (hg19) VCF-style: chr15-48719890-T-G.
Other names: c.7078A>C, p.Lys2360Gln (NM_001406716.1); short protein forms K2360Q.
Identifiers: ClinVar variation 2940711 (VCV002940711.3), dbSNP rs1176963033, ClinGen allele CA392330006.
Genomic context (GRCh38, chr15:48,427,693, plus strand): 5'-AAGGGCAGATCTCACAGTGGGGACCCCAGCCTCTCCCTCCGTCACAGCAGCATTCCGATT[T>G]GGTGACGGGGTTCCTGTTGCTGGAGCCGATCTGACACATGTTTTGTAGCACCTCTGTGAA-3'
Protein context (NP_000129.3, residues 2350-2370): IGSSNRNPVT[Lys2360Gln]SECCCDGGRG